The following is an entry in ClinVar:

NM_003000.3(SDHB):c.281G>A (p.Arg94Lys)

Gene: SDHB (succinate dehydrogenase complex iron sulfur subunit B; minus strand). Cytogenetic location: 1p36.13.
Variant type: single nucleotide variant.
Coding change: c.281G>A on transcript NM_003000.3 (MANE Select); coding-DNA position 281, G replaced by A.
Protein change: p.Arg94Lys; replaces arginine 94 with lysine.
Molecular consequence: missense variant.
Genome position (GRCh38, 1-based): chr1:17,033,065, C>T on the plus strand (G>A on the coding strand, the complement: SDHB is on the minus strand). VCF-style: chr1-17033065-C-T. GRCh37 (hg19) VCF-style: chr1-17359560-C-T.
Other names: c.281G>A, p.Arg94Lys (NM_001407361.1); short protein forms R94K.
Identifiers: ClinVar variation 3892373 (VCV003892373.2).

ClinVar aggregate classification (germline): Conflicting classifications of pathogenicity. Review status: criteria provided, conflicting classifications (1 of 4 stars). 2 submissions from 2 submitters: Likely pathogenic (1); Uncertain significance (1). Last evaluated 2025-12-31.

Conditions:
Hereditary cancer-predisposing syndrome. Also called: Neoplastic Syndromes, Hereditary; Tumor predisposition; Hereditary Cancer Syndrome; Hereditary neoplastic syndrome. Identifiers: Orphanet 140162, MedGen C0027672, MeSH D009386, MONDO:0015356.
Pheochromocytoma/paraganglioma syndrome 4. Also called: CAROTID BODY TUMORS AND MULTIPLE EXTRAADRENAL PHEOCHROMOCYTOMAS; PARAGANGLIOMA, FAMILIAL MALIGNANT; PARAGANGLIOMAS, HEREDITARY EXTRAADRENAL; PHEOCHROMOCYTOMA, FAMILIAL EXTRAADRENAL; Paragangliomas 4; SDHB-Related Hereditary Paraganglioma-Pheochromocytoma Syndrome (Paragangliomas 4). Identifiers: Orphanet 29072, MedGen C1861848, MONDO:0007273, OMIM 115310.
Gastrointestinal stromal tumor. Also called: Gastrointestinal stromal tumor, somatic; Gastrointestinal stroma tumor. Identifiers: Orphanet 44890, MedGen C0238198, MeSH D046152, MONDO:0011719, OMIM 606764, HP:0100723.
Carney-Stratakis syndrome. Also called: PARAGANGLIOMA AND GASTROINTESTINAL STROMAL TUMOR. Identifiers: Orphanet 97286, MedGen C1847319, MONDO:0011740, OMIM 606864.
Mitochondrial complex 2 deficiency, nuclear type 4. Also called: MITOCHONDRIAL COMPLEX II DEFICIENCY, NUCLEAR TYPE 4. Identifiers: MedGen C5543176, MONDO:0030974, OMIM 619224.

Submissions (2):

Ambry Genetics
Classification: Likely pathogenic for Hereditary cancer-predisposing syndrome. Last evaluated: 2025-12-31. Review status: criteria provided, single submitter. Criteria: Ambry Variant Classification Scheme 2023. Collection method: clinical testing. Allele origin: germline.
Comment: The p.R94K variant (also known as c.281G>A), located in coding exon 3 of the SDHB gene, results from a G to A substitution at nucleotide position 281. The arginine at codon 94 is replaced by lysine, an amino acid with highly similar properties. This variant was reported in individual(s) with features consistent with SDHB-related hereditary pheochromocytoma-paraganglioma (Bayley JP et al. BMC Med Genet, 2006 Jan;7:1; Ambry internal data). This amino acid position is highly conserved in available vertebrate species. In addition, this alteration is predicted to be deleterious by in silico analysis. Based on the majority of available evidence to date, this variant is likely to be pathogenic.

Department of Pathology and Laboratory Medicine, Sinai Health System
Classification: Uncertain significance for Pheochromocytoma/paraganglioma syndrome 4; Gastrointestinal stromal tumor; Carney-Stratakis syndrome; Mitochondrial complex 2 deficiency, nuclear type 4. Last evaluated: 2021-05-11. Review status: criteria provided, single submitter. Criteria: ACMG Guidelines, 2015. Collection method: clinical testing. Allele origin: germline.

Literature cited by the submitters: PubMed 16405730 (cited by Ambry Genetics and Department of Pathology and Laboratory Medicine, Sinai Health System).